The following is an entry in ClinVar:

ClinVar aggregate classification (germline): Uncertain significance (1 of 4 stars; one submission).

Conditions:
Cardiomyopathy (CMYO). Also called: Cardiomyopathies. Identifiers: Orphanet 167848, MedGen C0878544, MONDO:0004994, HP:0001638. Inheritance: Various modes of inheritance.

Submission:

Color Diagnostics, LLC DBA Color Health
Classification: Uncertain significance for Cardiomyopathy. Last evaluated: 2023-12-05. Review status: criteria provided, single submitter. Criteria: ACMG Guidelines, 2015. Collection method: clinical testing. Allele origin: germline.
Comment: Variant of Uncertain Significance due to insufficient evidence: This missense variant is located in the central rod domain of the DSP protein that is thought to form a dimeric coiled coil. Computational prediction tools and conservation analyses suggest that this variant may have deleterious impact on the protein function. Computational splicing tools suggest that this variant may not impact RNA splicing. To our knowledge, functional assays have not been performed for this variant nor has this variant been reported in individuals affected with cardiovascular disorders in the literature. This variant is rare in the general population and has been identified in 0/277264 chromosomes by the Genome Aggregation Database (gnomAD). Available evidence is insufficient to determine the pathogenicity of this variant conclusively.

NM_004415.4(DSP):c.3341T>C (p.Leu1114Pro)

Gene: DSP (desmoplakin; plus strand). Cytogenetic location: 6p24.3.
Variant type: single nucleotide variant.
Coding change: c.3341T>C on transcript NM_004415.4 (MANE Select); coding-DNA position 3341, T replaced by C.
Protein change: p.Leu1114Pro; replaces leucine 1114 with proline.
Molecular consequence: missense variant.
Genome position (GRCh38, 1-based): chr6:7,579,531, T>C. VCF-style: chr6-7579531-T-C. GRCh37 (hg19) VCF-style: chr6-7579764-T-C.
Other names: c.3341T>C, p.Leu1114Pro (NM_001008844.3, NM_001319034.2); short protein forms L1114P.
Identifiers: ClinVar variation 918507 (VCV000918507.5), dbSNP rs1759349625, ClinGen allele CA362683738.